The following is an entry in ClinVar:

NM_031483.7(ITCH):c.1085A>G (p.Gln362Arg)

Gene: ITCH (itchy E3 ubiquitin protein ligase; plus strand). Cytogenetic location: 20q11.22.
Variant type: single nucleotide variant.
Coding change: c.1085A>G on transcript NM_031483.7 (MANE Select); coding-DNA position 1085, A replaced by G.
Protein change: p.Gln362Arg; replaces glutamine 362 with arginine.
Molecular consequence: missense variant.
Genome position (GRCh38, 1-based): chr20:34,445,406, A>G. VCF-style: chr20-34445406-A-G. GRCh37 (hg19) VCF-style: chr20-33033211-A-G.
Other names: c.1208A>G, p.Gln403Arg (NM_001257137.3, NM_001324197.2); c.755A>G, p.Gln252Arg (NM_001257138.3); c.1085A>G, p.Gln362Arg (NM_001324198.2); short protein forms Q362R, Q252R, Q403R.
Identifiers: ClinVar variation 2144106 (VCV002144106.3), dbSNP rs146383612, ClinGen allele CA9821559.

ClinVar aggregate classification (germline): Uncertain significance (1 of 4 stars; one submission).

Conditions:
Syndromic multisystem autoimmune disease due to ITCH deficiency. Also called: AUTOIMMUNE DISEASE, MULTISYSTEM, WITH FACIAL DYSMORPHISM. Identifiers: Orphanet 228426, MedGen C3150649, MONDO:0013245, OMIM 613385.

Allele frequency attached by ClinVar (database versions not stated): TOPMed below 0.00001; ExAC 0.00001; gnomAD 0.00001; gnomAD exomes 0.00001; ESP Exome Variant Server 0.00008.
gnomAD v4.1: 12 of 1,614,042 alleles (0.00074%); highest among the groups gnomAD compares: Non-Finnish European, 0.00093%; no homozygotes.

Submission:

Labcorp Genetics (formerly Invitae), Labcorp
Classification: Uncertain significance for Syndromic multisystem autoimmune disease due to ITCH deficiency. Last evaluated: 2022-03-01. Review status: criteria provided, single submitter. Criteria: Invitae Variant Classification Sherloc (09022015). Collection method: clinical testing. Allele origin: germline.
Comment: This variant has not been reported in the literature in individuals affected with ITCH-related conditions. This variant is present in population databases (rs146383612, gnomAD 0.0009%). This sequence change replaces glutamine, which is neutral and polar, with arginine, which is basic and polar, at codon 362 of the ITCH protein (p.Gln362Arg). In summary, the available evidence is currently insufficient to determine the role of this variant in disease. Therefore, it has been classified as a Variant of Uncertain Significance. Algorithms developed to predict the effect of missense changes on protein structure and function are either unavailable or do not agree on the potential impact of this missense change (SIFT: "Not Available"; PolyPhen-2: "Benign"; Align-GVGD: "Not Available").